The following is an entry in ClinVar:

NM_001271.4(CHD2):c.5441A>G (p.Glu1814Gly)

Gene: CHD2 (chromodomain helicase DNA binding protein 2; plus strand). Cytogenetic location: 15q26.1.
Variant type: single nucleotide variant.
Coding change: c.5441A>G on transcript NM_001271.4 (MANE Select); coding-DNA position 5441, A replaced by G.
Protein change: p.Glu1814Gly; replaces glutamic acid 1814 with glycine.
Molecular consequence: missense variant.
Genome position (GRCh38, 1-based): chr15:93,024,659, A>G. VCF-style: chr15-93024659-A-G. GRCh37 (hg19) VCF-style: chr15-93567889-A-G.
Other names: short protein forms E1814G.
Identifiers: ClinVar variation 2748400 (VCV002748400.3), dbSNP rs1214967346, ClinGen allele CA393908789.

ClinVar aggregate classification (germline): Uncertain significance (1 of 4 stars; one submission).

Conditions:
Developmental and epileptic encephalopathy 94 (DEE94). Also called: Epileptic encephalopathy, childhood-onset; CHD2-Related Neurodevelopmental Disorders. Identifiers: Orphanet 1942, Orphanet 2382, MedGen C3809278, MONDO:0014150, OMIM 615369.

Submission:

Labcorp Genetics (formerly Invitae), Labcorp
Classification: Uncertain significance for Developmental and epileptic encephalopathy 94. Last evaluated: 2023-07-30. Review status: criteria provided, single submitter. Criteria: Invitae Variant Classification Sherloc (09022015). Collection method: clinical testing. Allele origin: germline.
Comment: This variant has not been reported in the literature in individuals affected with CHD2-related conditions. Advanced modeling of protein sequence and biophysical properties (such as structural, functional, and spatial information, amino acid conservation, physicochemical variation, residue mobility, and thermodynamic stability) performed at Invitae indicates that this missense variant is not expected to disrupt CHD2 protein function. In summary, the available evidence is currently insufficient to determine the role of this variant in disease. Therefore, it has been classified as a Variant of Uncertain Significance. This variant is not present in population databases (gnomAD no frequency). This sequence change replaces glutamic acid, which is acidic and polar, with glycine, which is neutral and non-polar, at codon 1814 of the CHD2 protein (p.Glu1814Gly).